The following is an entry in ClinVar:

NM_018124.4(RFWD3):c.1755-12C>G

Gene: RFWD3 (ring finger and WD repeat domain 3; minus strand). Cytogenetic location: 16q23.1.
Variant type: single nucleotide variant.
Coding change: c.1755-12C>G on transcript NM_018124.4 (MANE Select); 12 bases into the intron before coding-DNA position 1755, C replaced by G.
Molecular consequence: intron variant.
Genome position (GRCh38, 1-based): chr16:74,628,678, G>C on the plus strand (C>G on the coding strand, the complement: RFWD3 is on the minus strand). VCF-style: chr16-74628678-G-C. GRCh37 (hg19) VCF-style: chr16-74662576-G-C.
Other names: c.1755-12C>G (NM_001370534.1, NM_001370535.1); c.921-12C>G (NM_001370539.1, NM_001370537.1, NM_001370543.1 and 2 more transcripts); c.1578-12C>G (NM_001370536.1).
Identifiers: ClinVar variation 2055586 (VCV002055586.4), dbSNP rs2543936287, ClinGen allele CA2580091973.
Genomic context (GRCh38, chr16:74,628,678, plus strand): 5'-TGCAGCTGAGGCAGCTCTGGGCATGTATGACAGGGAGACCAGTGGGCATCTGAAAGGAAA[G>C]TAAGGAAACTGTATCTCACACTCCAAAACTCGGACGGCTCCAGACCCCACTACCAGACCT-3'

ClinVar aggregate classification (germline): Uncertain significance (1 of 4 stars; one submission).

Submission:

Labcorp Genetics (formerly Invitae), Labcorp
Classification: Uncertain significance. Last evaluated: 2022-11-28. Review status: criteria provided, single submitter. Criteria: Invitae Variant Classification Sherloc (09022015). Collection method: clinical testing. Allele origin: germline.
Comment: This sequence change falls in intron 10 of the RFWD3 gene. It does not directly change the encoded amino acid sequence of the RFWD3 protein. This variant is not present in population databases (gnomAD no frequency). This variant has not been reported in the literature in individuals affected with RFWD3-related conditions. Algorithms developed to predict the effect of sequence changes on RNA splicing suggest that this variant may create or strengthen a splice site. In summary, the available evidence is currently insufficient to determine the role of this variant in disease. Therefore, it has been classified as a Variant of Uncertain Significance.